The following is an entry in ClinVar:

ClinVar aggregate classification (germline): Conflicting classifications of pathogenicity. Review status: criteria provided, conflicting classifications (1 of 4 stars). 2 submissions from 2 submitters: Likely risk allele (1); Uncertain significance (1). Last evaluated 2017-02-16.

Conditions:
Wolfram syndrome 1 (WFS1). Identifiers: Orphanet 3463, MedGen C4551693, MONDO:0009101, OMIM 222300.

Allele frequency attached by ClinVar (database versions not stated): TOPMed below 0.00001.
gnomAD v4.1: 3 of 1,581,110 alleles (0.00019%); highest among the groups gnomAD compares: African/African-American, 0.0013%; no homozygotes.

Submissions (2):

Laboratory for Molecular Medicine, Mass General Brigham Personalized Medicine
Classification: Uncertain significance. Last evaluated: 2017-02-16. Review status: criteria provided, single submitter. Criteria: LMM Criteria. Collection method: clinical testing. Allele origin: germline. Observed: 1 variant allele.
Comment: The p.Arg146Cys variant in WFS1 has not been previously reported in individuals with hearing loss or Wolfram syndrome. Data from large population studies are in sufficient to assess the frequency of this variant. Computational prediction too ls and conservation analysis suggest that the p.Arg146Cys variant may impact the protein, though this information is not predictive enough to determine pathogen icity. In summary, the clinical significance of the p.Arg146Cys variant is uncer tain.

Clinical Genomics, Uppaluri K&H Personalized Medicine Clinic
Classification: Likely risk allele for Wolfram syndrome 1. Review status: criteria provided, single submitter. Criteria: K & H Uppaluri Personalized Medicine Clinic Variant Classification & Assertion Criteria_Updated V.1. Collection method: research. Allele origin: unknown. Inheritance: Autosomal recessive inheritance.
Comment: Potent mutations in WFS1 gene are associated with Wolfram's syndrome, an autosomal recessive condition, which cause diabetes mellitus, diabetes insipidus, deafness and optic atrophy.However no sufficient evidence is found to ascertain the role of this particular variant rs1553876694 in Wolfram's syndrome yet.

Literature cited by the submitters: PubMed 20738327 (cited by Clinical Genomics, Uppaluri K&H Personalized Medicine Clinic); PubMed 33879153 (cited by Clinical Genomics, Uppaluri K&H Personalized Medicine Clinic); PubMed 12955714 (cited by Clinical Genomics, Uppaluri K&H Personalized Medicine Clinic); PubMed 18060660 (cited by Clinical Genomics, Uppaluri K&H Personalized Medicine Clinic); PubMed 20301750 (cited by Clinical Genomics, Uppaluri K&H Personalized Medicine Clinic); PubMed 17603484 (cited by Clinical Genomics, Uppaluri K&H Personalized Medicine Clinic).

NM_006005.3(WFS1):c.436C>T (p.Arg146Cys)

Gene: WFS1 (wolframin ER transmembrane glycoprotein; plus strand). Cytogenetic location: 4p16.1.
Variant type: single nucleotide variant.
Coding change: c.436C>T on transcript NM_006005.3 (MANE Select); coding-DNA position 436, C replaced by T.
Protein change: p.Arg146Cys; replaces arginine 146 with cysteine.
Molecular consequence: missense variant.
Genome position (GRCh38, 1-based): chr4:6,289,107, C>T. VCF-style: chr4-6289107-C-T. GRCh37 (hg19) VCF-style: chr4-6290834-C-T.
Other names: c.436C>T, p.Arg146Cys (NM_001145853.1); short protein forms R146C.
Identifiers: ClinVar variation 517251 (VCV000517251.6), dbSNP rs1553876694, ClinGen allele CA356171734.